The following is an entry in ClinVar:

NM_002471.4(MYH6):c.350A>G (p.Tyr117Cys)

Genes: MYH6 (myosin heavy chain 6; minus strand), LOC114827851 (VISTA enhancer hs2155; plus strand). Cytogenetic location: 14q11.2.
Variant type: single nucleotide variant.
Coding change: c.350A>G on transcript NM_002471.4 (MANE Select); coding-DNA position 350, A replaced by G.
Protein change: p.Tyr117Cys; replaces tyrosine 117 with cysteine.
Molecular consequence: missense variant.
Genome position (GRCh38, 1-based): chr14:23,405,375, T>C on the plus strand (A>G on the coding strand, the complement: MYH6 is on the minus strand). VCF-style: chr14-23405375-T-C. GRCh37 (hg19) VCF-style: chr14-23874584-T-C.
Other names: short protein forms Y117C.
Identifiers: ClinVar variation 3876472 (VCV003876472.1).

ClinVar aggregate classification (germline): Uncertain significance (1 of 4 stars; one submission).

Conditions:
Cardiovascular phenotype. Identifiers: MedGen CN230736.

Submission:

Ambry Genetics
Classification: Uncertain significance for Cardiovascular phenotype. Last evaluated: 2025-03-09. Review status: criteria provided, single submitter. Criteria: Ambry Variant Classification Scheme 2023. Collection method: clinical testing. Allele origin: germline.
Comment: The p.Y117C variant (also known as c.350A>G), located in coding exon 3 of the MYH6 gene, results from an A to G substitution at nucleotide position 350. The tyrosine at codon 117 is replaced by cysteine, an amino acid with highly dissimilar properties. This amino acid position is conserved. In addition, this alteration is predicted to be deleterious by in silico analysis. Based on the available evidence, the clinical significance of this variant remains unclear.